The following is an entry in ClinVar:

NM_138694.4(PKHD1):c.10514G>A (p.Ser3505Asn)

Gene: PKHD1 (PKHD1 ciliary IPT domain containing fibrocystin/polyductin; minus strand). Cytogenetic location: 6p12.3.
Variant type: single nucleotide variant.
Coding change: c.10514G>A on transcript NM_138694.4 (MANE Select); coding-DNA position 10514, G replaced by A.
Protein change: p.Ser3505Asn; replaces serine 3505 with asparagine.
Molecular consequence: missense variant.
Genome position (GRCh38, 1-based): chr6:51,659,612, C>T on the plus strand (G>A on the coding strand, the complement: PKHD1 is on the minus strand). VCF-style: chr6-51659612-C-T. GRCh37 (hg19) VCF-style: chr6-51524410-C-T.
Other names: c.10514G>A (NM_138694.3); short protein forms S3505N.
Identifiers: ClinVar variation 594533 (VCV000594533.11), dbSNP rs200244173, ClinGen allele CA3851062.
Genomic context (GRCh38, chr6:51,659,612, plus strand): 5'-AAGGAAGCTGACTGAACCAGAGTGGGTGGAATAAAACTTTCCCCTAAGAAGACGTGGGGG[C>T]TCTGGAGCTCATGGTAGAATACAGCCAAGAGAAGCTTGGAGGTACTTTTGTTCCCCAATA-3'
Protein context (NP_619639.3, residues 3495-3515): LLAVFYHELQ[Ser3505Asn]PHVFLGESFI

ClinVar aggregate classification (germline): Conflicting classifications of pathogenicity. Review status: criteria provided, conflicting classifications (1 of 4 stars). 5 submissions from 5 submitters: Uncertain significance (4); Likely benign (1). Last evaluated 2024-10-07.

Conditions:
Polycystic kidney disease 4 (PKD4). Also called: Autosomal Recessive Polycystic Kidney Disease – PKHD1; POLYCYSTIC KIDNEY DISEASE 4 WITH OR WITHOUT POLYCYSTIC LIVER DISEASE; POLYCYSTIC KIDNEY AND HEPATIC DISEASE 1; POLYCYSTIC KIDNEY DISEASE, INFANTILE, TYPE I; PKD3. Identifiers: MedGen C4540575, MONDO:0033004, OMIM 263200.
Inborn genetic diseases. Identifiers: MedGen C0950123, MeSH D030342.
Autosomal recessive polycystic kidney disease (ARPKD). Also called: AR polycystic kidney disease. Identifiers: Orphanet 731, Orphanet 8378, MedGen C0085548, MeSH D017044, MONDO:0009889.

Allele frequency attached by ClinVar (database versions not stated): gnomAD 0.00002 and 0.00003; TOPMed 0.00002; gnomAD exomes 0.00003 and 0.00005; ExAC 0.00007; 1000 Genomes Project 0.00020; 1000 Genomes Project 30x 0.00031.
gnomAD v4.1: 51 of 1,613,656 alleles (0.0032%); highest among the groups gnomAD compares: Middle Eastern, 0.083%; no homozygotes.

Submissions (5):

Labcorp Genetics (formerly Invitae), Labcorp
Classification: Uncertain significance for Autosomal recessive polycystic kidney disease. Last evaluated: 2024-10-07. Review status: criteria provided, single submitter. Criteria: Invitae Variant Classification Sherloc (09022015). Collection method: clinical testing. Allele origin: germline.
Comment: This sequence change replaces serine, which is neutral and polar, with asparagine, which is neutral and polar, at codon 3505 of the PKHD1 protein (p.Ser3505Asn). This variant is present in population databases (rs200244173, gnomAD 0.008%). This variant has not been reported in the literature in individuals affected with PKHD1-related conditions. ClinVar contains an entry for this variant (Variation ID: 594533). Invitae Evidence Modeling of protein sequence and biophysical properties (such as structural, functional, and spatial information, amino acid conservation, physicochemical variation, residue mobility, and thermodynamic stability) indicates that this missense variant is not expected to disrupt PKHD1 protein function with a negative predictive value of 95%. In summary, the available evidence is currently insufficient to determine the role of this variant in disease. Therefore, it has been classified as a Variant of Uncertain Significance.

Fulgent Genetics
Classification: Uncertain significance for Polycystic kidney disease 4. Last evaluated: 2024-06-18. Review status: criteria provided, single submitter. Criteria: ACMG Guidelines, 2015. Collection method: clinical testing. Allele origin: germline.

Ambry Genetics
Classification: Likely benign for Inborn genetic diseases. Last evaluated: 2023-06-23. Review status: criteria provided, single submitter. Criteria: Ambry Variant Classification Scheme 2023. Collection method: clinical testing. Allele origin: germline.

Department of Pathology and Laboratory Medicine, Sinai Health System
Classification: Uncertain significance for Polycystic kidney disease 4. Last evaluated: 2022-03-25. Review status: criteria provided, single submitter. Criteria: ACMG Guidelines, 2015. Collection method: research. Allele origin: germline.

Eurofins Ntd Llc (ga)
Classification: Uncertain significance. Last evaluated: 2017-10-13. Review status: criteria provided, single submitter. Criteria: EGL Classification Definitions 2015. Collection method: clinical testing. Allele origin: germline. Observed: 1 variant allele, 1 heterozygote.